The following is an entry in ClinVar:

ClinVar aggregate classification (germline): Uncertain significance (1 of 4 stars; one submission).

Conditions:
Immunodeficiency 31B. Also called: STAT1 DEFICIENCY, AUTOSOMAL RECESSIVE; IMMUNODEFICIENCY 31B, MYCOBACTERIAL AND VIRAL INFECTIONS, AUTOSOMAL RECESSIVE. Identifiers: Orphanet 391311, MedGen C3151088, MONDO:0013427, OMIM 613796.
Mendelian susceptibility to mycobacterial diseases due to partial STAT1 deficiency. Also called: IMMUNODEFICIENCY 31A, MYCOBACTERIOSIS, AUTOSOMAL DOMINANT; STAT1 DEFICIENCY, AUTOSOMAL DOMINANT; Immunodeficiency 31a. Identifiers: Orphanet 319595, MedGen C4013950, MONDO:0013956, OMIM 614892.
Autoimmune enteropathy and endocrinopathy - susceptibility to chronic infections syndrome. Also called: Immunodeficiency 31C; Immunodeficiency 31C, autosomal dominant. Identifiers: Orphanet 391487, MedGen C3279990, MONDO:0013599, OMIM 614162.

Allele frequency attached by ClinVar (database versions not stated): gnomAD exomes below 0.00001.
gnomAD v4.1: 1 of 1,612,072 alleles (0.000062%); highest among the groups gnomAD compares: Non-Finnish European, 0.000085%; no homozygotes.

Submission:

Labcorp Genetics (formerly Invitae), Labcorp
Classification: Uncertain significance for Immunodeficiency 31a; Mycobacterial and viral infections, susceptibility to, autosomal recessive; Immunodeficiency 31C. Last evaluated: 2018-10-19. Review status: criteria provided, single submitter. Criteria: Invitae Variant Classification Sherloc (09022015). Collection method: clinical testing. Allele origin: germline.
Comment: This sequence change falls in intron 16 of the STAT1 gene. It does not directly change the encoded amino acid sequence of the STAT1 protein, but it affects a nucleotide within the consensus splice site of the intron. This variant is not present in population databases (ExAC no frequency). This variant has not been reported in the literature in individuals with STAT1-related disease. Nucleotide substitutions within the consensus splice site are a relatively common cause of aberrant splicing (PMID: 17576681, 9536098). Algorithms developed to predict the effect of sequence changes on RNA splicing suggest that this variant may disrupt the consensus splice site, but this prediction has not been confirmed by published transcriptional studies. In summary, the available evidence is currently insufficient to determine the role of this variant in disease. Therefore, it has been classified as a Variant of Uncertain Significance.

NM_007315.4(STAT1):c.1347+3A>G

Gene: STAT1 (signal transducer and activator of transcription 1; minus strand). Cytogenetic location: 2q32.2.
Variant type: single nucleotide variant.
Coding change: c.1347+3A>G on transcript NM_007315.4 (MANE Select); 3 bases into the intron after coding-DNA position 1347, A replaced by G.
Molecular consequence: intron variant.
Genome position (GRCh38, 1-based): chr2:190,984,307, T>C on the plus strand (A>G on the coding strand, the complement: STAT1 is on the minus strand). VCF-style: chr2-190984307-T-C. GRCh37 (hg19) VCF-style: chr2-191849033-T-C.
Other names: c.1257+3A>G (NM_001384890.1); c.1248+3A>G (NM_001384883.1); c.1188+3A>G (NM_001384885.1); c.1254+3A>G (NM_001384887.1); c.1287+3A>G (NM_001384880.1); c.1317+3A>G (NM_001384888.1); c.1341+3A>G (NM_001384882.1); c.1347+3A>G (NM_001384889.1, NM_001384886.1, NM_139266.3); and 2 more.
Identifiers: ClinVar variation 647392 (VCV000647392.1), dbSNP rs1574645914, ClinGen allele CA915942277.